The following is an entry in ClinVar:

ClinVar aggregate classification (germline): Uncertain significance (1 of 4 stars; one submission).

Submission:

Greenwood Genetic Center Diagnostic Laboratories, Greenwood Genetic Center
Classification: Uncertain significance. Last evaluated: 2025-01-08. Review status: criteria provided, single submitter. Criteria: ACMG Guidelines, 2015. Collection method: clinical testing. Allele origin: germline.
Comment: PS2, PM2, BP7

NM_006908.5(RAC1):c.105T>G (p.Thr35=)

Gene: RAC1 (Rac family small GTPase 1; plus strand). Cytogenetic location: 7p22.1.
Variant type: single nucleotide variant.
Coding change: c.105T>G on transcript NM_006908.5 (MANE Select); coding-DNA position 105, T replaced by G.
Protein change: p.Thr35=; no amino-acid change (threonine 35 retained).
Molecular consequence: synonymous variant.
Genome position (GRCh38, 1-based): chr7:6,387,281, T>G. VCF-style: chr7-6387281-T-G. GRCh37 (hg19) VCF-style: chr7-6426912-T-G.
Other names: c.105T>G, p.Thr35= (NM_018890.4).
Identifiers: ClinVar variation 4851626 (VCV004851626.1).